The following is an entry in ClinVar:

NM_000038.6(APC):c.5362C>A (p.Arg1788Ser)

Gene: APC (APC regulator of Wnt signaling pathway; plus strand). Cytogenetic location: 5q22.2.
Variant type: single nucleotide variant.
Coding change: c.5362C>A on transcript NM_000038.6 (MANE Select); coding-DNA position 5362, C replaced by A.
Protein change: p.Arg1788Ser; replaces arginine 1788 with serine.
Molecular consequence: missense variant.
Genome position (GRCh38, 1-based): chr5:112,840,956, C>A. VCF-style: chr5-112840956-C-A. GRCh37 (hg19) VCF-style: chr5-112176653-C-A.
Other names: c.5362C>A, p.Arg1788Ser (NM_001127510.3, NM_001354895.2); c.5308C>A, p.Arg1770Ser (NM_001127511.3); c.5416C>A, p.Arg1806Ser (NM_001354896.2); c.5392C>A, p.Arg1798Ser (NM_001354897.2); c.5287C>A, p.Arg1763Ser (NM_001354898.2); c.5278C>A, p.Arg1760Ser (NM_001354899.2); c.5239C>A, p.Arg1747Ser (NM_001354900.2); c.5185C>A, p.Arg1729Ser (NM_001354901.2); and 5 more; short protein forms R1662S, R1763S, R1770S, R1505S, R1697S, R1729S, R1747S, R1806S.
Identifiers: ClinVar variation 825677 (VCV000825677.22), dbSNP rs773125634, ClinGen allele CA041655.

ClinVar aggregate classification (germline): Uncertain significance. Review status: criteria provided, multiple submitters, no conflicts (2 of 4 stars). 5 submissions from 5 submitters: Uncertain significance (5). Last evaluated 2025-08-07.

Conditions:
Classic or attenuated familial adenomatous polyposis. Identifiers: MedGen CN372698, MONDO:0021057.
Hereditary cancer-predisposing syndrome. Also called: Neoplastic Syndromes, Hereditary; Tumor predisposition; Hereditary neoplastic syndrome; Hereditary Cancer Syndrome. Identifiers: Orphanet 140162, MedGen C0027672, MeSH D009386, MONDO:0015356.
Familial adenomatous polyposis 1 (FAP1). Also called: POLYPOSIS, ADENOMATOUS INTESTINAL; FAMILIAL ADENOMATOUS POLYPOSIS 1, ATTENUATED. Identifiers: MedGen C2713442, MONDO:0021056, OMIM 175100. Disease mechanism: loss of function.

gnomAD v4.1: 2 of 1,612,912 alleles (0.00012%); highest among the groups gnomAD compares: Non-Finnish European, 0.00017%; no homozygotes.

Submissions (5):

Labcorp Genetics (formerly Invitae), Labcorp
Classification: Uncertain significance for Familial adenomatous polyposis 1. Last evaluated: 2025-08-07. Review status: criteria provided, single submitter. Criteria: Invitae Variant Classification Sherloc (09022015). Collection method: clinical testing. Allele origin: germline.
Comment: This sequence change replaces arginine, which is basic and polar, with serine, which is neutral and polar, at codon 1788 of the APC protein (p.Arg1788Ser). This variant is present in population databases (rs773125634, gnomAD 0.002%). This variant has not been reported in the literature in individuals affected with APC-related conditions. ClinVar contains an entry for this variant (Variation ID: 825677). Invitae Evidence Modeling of protein sequence and biophysical properties (such as structural, functional, and spatial information, amino acid conservation, physicochemical variation, residue mobility, and thermodynamic stability) indicates that this missense variant is not expected to disrupt APC protein function with a negative predictive value of 95%. In summary, the available evidence is currently insufficient to determine the role of this variant in disease. Therefore, it has been classified as a Variant of Uncertain Significance.

Color Diagnostics, LLC DBA Color Health
Classification: Uncertain significance for Hereditary cancer-predisposing syndrome. Last evaluated: 2024-03-06. Review status: criteria provided, single submitter. Criteria: ACMG Guidelines, 2015. Collection method: clinical testing. Allele origin: germline.
Comment: This missense variant replaces arginine with serine at codon 1788 of the APC protein. Computational prediction suggests that this variant may not impact protein structure and function (internally defined REVEL score threshold <= 0.5, PMID: 27666373). To our knowledge, functional studies have not been reported for this variant. This variant has not been reported in individuals affected with APC-related disorders in the literature. This variant has been identified in 2/250204 chromosomes in the general population by the Genome Aggregation Database (gnomAD). The available evidence is insufficient to determine the role of this variant in disease conclusively. Therefore, this variant is classified as a Variant of Uncertain Significance.

Ambry Genetics
Classification: Uncertain significance for Hereditary cancer-predisposing syndrome. Last evaluated: 2024-01-17. Review status: criteria provided, single submitter. Criteria: Ambry Variant Classification Scheme 2023. Collection method: clinical testing. Allele origin: germline.
Comment: The p.R1788S variant (also known as c.5362C>A), located in coding exon 15 of the APC gene, results from a C to A substitution at nucleotide position 5362. The arginine at codon 1788 is replaced by serine, an amino acid with dissimilar properties. This amino acid position is not well conserved in available vertebrate species. In addition, in silico predictors for this gene do not accurately predict pathogenicity. Based on the available evidence, the clinical significance of this alteration remains unclear.

All of Us Research Program, National Institutes of Health
Classification: Uncertain significance for Classic or attenuated familial adenomatous polyposis. Last evaluated: 2023-10-23. Review status: criteria provided, single submitter. Criteria: ACMG Guidelines, 2015. Collection method: clinical testing. Allele origin: germline. Inheritance: Autosomal dominant inheritance. Observed: 3 variant alleles, 3 heterozygotes.
Comment: This missense variant replaces arginine with serine at codon 1788 of the APC protein. Computational prediction tools and conservation analyses are inconclusive regarding the impact of this variant on protein structure and function. Splice site prediction tools suggest that this variant may not impact RNA splicing. To our knowledge, functional studies have not been performed for this variant. This variant has not been reported in individuals affected with hereditary cancer in the literature. This variant has been identified in 2/250204 chromosomes in the general population by the Genome Aggregation Database (gnomAD). The available evidence is insufficient to determine the role of this variant in disease conclusively. Therefore, this variant is classified as a Variant of Uncertain Significance.

This study involves interpretation of variants in research participants for the purpose of population health screening. Participant phenotype was not available at the time of variant classification. Additional details can be found in publication PMID: 35346344, PMCID: PMC8962531

GeneDx
Classification: Uncertain significance. Last evaluated: 2023-06-28. Review status: criteria provided, single submitter. Criteria: GeneDx Variant Classification Process June 2021. Collection method: clinical testing. Allele origin: germline. Affected: yes.
Comment: Not observed at significant frequency in large population cohorts (gnomAD); In silico analysis supports that this missense variant does not alter protein structure/function; Has not been previously published as pathogenic or benign to our knowledge; This variant is associated with the following publications: (PMID: 18199528)